The following is an entry in ClinVar:

NM_001304359.2(MUC5AC):c.13461C>G (p.Thr4487=)

Gene: MUC5AC (mucin 5AC, oligomeric mucus/gel-forming; plus strand). Cytogenetic location: 11p15.5.
Variant type: single nucleotide variant.
Coding change: c.13461C>G on transcript NM_001304359.2 (MANE Select); coding-DNA position 13461, C replaced by G.
Protein change: p.Thr4487=; no amino-acid change (threonine 4487 retained).
Molecular consequence: synonymous variant.
Genome position (GRCh38, 1-based): chr11:1,191,606, C>G. VCF-style: chr11-1191606-C-G. GRCh37 (hg19) VCF-style: chr11-1212831-C-G.
Identifiers: ClinVar variation 4534212 (VCV004534212.6).
Genomic context (GRCh38, chr11:1,191,606, plus strand): 5'-TGCTCCTATAACCAGCATGACCTCTGGTCCTGGAACTACTCCCAGCCCTGTTCCCACCAC[C>G]AGCACAACCTCTGCTCCTACAACCAGCACAACCTCTGCCTCTACAGCCAGCACAACCTCT-3'
Protein context (NP_001291288.1, residues 4477-4497): PGTTPSPVPT[Thr4487=]STTSAPTTST

ClinVar aggregate classification (germline): Likely benign (1 of 4 stars; one submission).

Submission:

CeGaT Center for Human Genetics Tuebingen
Classification: Likely benign. Last evaluated: 2025-10-01. Review status: criteria provided, single submitter. Criteria: CeGaT Center For Human Genetics Tuebingen Variant Classification Criteria Version 2. Collection method: clinical testing. Allele origin: germline. Affected: yes. Observed: 1 variant allele.
Comment: MUC5AC: PM2:Supporting, BP4, BP7